The following is an entry in ClinVar:

ClinVar aggregate classification (germline): Likely benign. Review status: criteria provided, multiple submitters, no conflicts (2 of 4 stars). 3 submissions from 3 submitters: Likely benign (3). Last evaluated 2025-07-29.

gnomAD v4.1: 960 of 1,614,236 alleles (0.059%); highest among the groups gnomAD compares: Non-Finnish European, 0.078%; 1 homozygote.

Submissions (3):

Labcorp Genetics (formerly Invitae), Labcorp
Classification: Likely benign. Last evaluated: 2025-07-29. Review status: criteria provided, single submitter. Criteria: Invitae Variant Classification Sherloc (09022015). Collection method: clinical testing. Allele origin: germline.

CeGaT Center for Human Genetics Tuebingen
Classification: Likely benign. Last evaluated: 2024-08-01. Review status: criteria provided, single submitter. Criteria: CeGaT Center For Human Genetics Tuebingen Variant Classification Criteria Version 2. Collection method: clinical testing. Allele origin: germline. Affected: yes. Observed: 1 variant allele.
Comment: TRAK1: BP4

Blueprint Genetics
Classification: Likely benign. Last evaluated: 2024-02-02. Review status: criteria provided, single submitter. Criteria: ACMG Guidelines, 2015. Collection method: clinical testing. Allele origin: germline.

NM_001042646.3(TRAK1):c.1299C>A (p.Ala433=)

Gene: TRAK1 (trafficking kinesin protein 1; plus strand). Cytogenetic location: 3p22.1.
Variant type: single nucleotide variant.
Coding change: c.1299C>A on transcript NM_001042646.3 (MANE Select); coding-DNA position 1299, C replaced by A.
Protein change: p.Ala433=; no amino-acid change (alanine 433 retained).
Molecular consequence: synonymous variant. On other transcripts: non-coding transcript variant (1).
Genome position (GRCh38, 1-based): chr3:42,200,926, C>A. VCF-style: chr3-42200926-C-A. GRCh37 (hg19) VCF-style: chr3-42242418-C-A.
Other names: c.1299C>A, p.Ala433= (NM_001265608.2, NM_001349246.2, NM_001349247.2); c.1077C>A, p.Ala359= (NM_001265609.2, NM_001265610.1, NM_001349248.1 and 1 more transcripts); c.987C>A, p.Ala329= (NM_001349245.1); c.1125C>A, p.Ala375= (NM_001410741.1, NM_014965.5).
Identifiers: ClinVar variation 3341592 (VCV003341592.18).
Genomic context (GRCh38, chr3:42,200,926, plus strand): 5'-CAAGCAGAGATCTCTGACCCCTTCTCCCATGAACATCCCCGGCTCCAACCAGTCCTCGGC[C>A]ATGAACTCCCTCCTGTCCAGCTGCGTCAGCACCCCCCGGTCCAGCTTCTACGGCAGCGAC-3'
Protein context (NP_001036111.1, residues 423-443): MNIPGSNQSS[Ala433=]MNSLLSSCVS